The following is an entry in ClinVar:

GRCh37/hg19 Xp21.3(chrX:28493281-29234189)x1

Gene: IL1RAPL1 (interleukin 1 receptor accessory protein like 1; plus strand). Cytogenetic location: Xp21.3.
Variant type: copy number loss.
Change: copy number 1 of chrX:28,493,281-29,234,189 (740.9 kb, GRCh37 coordinates, 1-based), cytogenetic band Xp21.3.
Identifiers: ClinVar variation 2685702 (VCV002685702.1).

ClinVar aggregate classification (germline): Pathogenic (1 of 4 stars; one submission).

Submission:

Quest Diagnostics Nichols Institute San Juan Capistrano
Classification: Pathogenic. Last evaluated: 2022-12-07. Review status: criteria provided, single submitter. Criteria: ACMG/ClinGen CNV Guidelines, 2019. Collection method: clinical testing. Allele origin: unknown.
Comment: The copy number loss of Xp21.3 includes first two exons of IL1RAPL1 (OMIM 300206), haploinsufficiency of which has been associated with X-linked intellectual developmental disorder (OMIM 300143, Rehm et al., N Engl J Med. 2015 Jun 4;372(23):2235-42. PMID: 26014595 (HGNC:5996)). There are no similar copy number losses of this region reported in the general populations of the Database of Genomic Variants. Thus, this copy number variant (CNV) is interpreted as pathogenic.